The following is an entry in ClinVar:

NM_002474.3(MYH11):c.1576-1G>A

Gene: MYH11 (myosin heavy chain 11; minus strand). Cytogenetic location: 16p13.11.
Variant type: single nucleotide variant.
Coding change: c.1576-1G>A on transcript NM_002474.3 (MANE Select); the canonical splice acceptor site of the intron before coding-DNA position 1576, G replaced by A.
Molecular consequence: splice acceptor variant.
Genome position (GRCh38, 1-based): chr16:15,756,515, C>T on the plus strand (G>A on the coding strand, the complement: MYH11 is on the minus strand). VCF-style: chr16-15756515-C-T. GRCh37 (hg19) VCF-style: chr16-15850372-C-T.
Other names: c.1576-1G>A (NM_022844.3); c.1597-1G>A (NM_001040114.2, NM_001040113.2).
Identifiers: ClinVar variation 3074067 (VCV003074067.1), dbSNP rs2506360340, ClinGen allele CA394870629.

ClinVar aggregate classification (germline): Uncertain significance (1 of 4 stars; one submission).

Conditions:
Familial thoracic aortic aneurysm and aortic dissection (TAAD). Also called: Thoracic aortic aneurysms and dissections. Identifiers: Orphanet 91387, MedGen C4707243, MONDO:0019625.

Submission:

All of Us Research Program, National Institutes of Health
Classification: Uncertain significance for Familial thoracic aortic aneurysm and aortic dissection. Last evaluated: 2023-10-23. Review status: criteria provided, single submitter. Criteria: ACMG Guidelines, 2015. Collection method: clinical testing. Allele origin: germline. Inheritance: Autosomal dominant inheritance. Observed: 1 variant allele, 1 heterozygote.
Comment: This variant causes a G to A nucleotide substitution at the -1 position of intron 14 of the MYH11 gene. Splice site prediction tools predict that this variant may have a significant impact on RNA splicing. To our knowledge, functional studies have not been reported for this variant. This variant has not been reported in individuals affected with MYH11-related disorders in the literature. This variant has not been identified in the general population by the Genome Aggregation Database (gnomAD). The available evidence is insufficient to determine the role of this variant in disease conclusively. Therefore, this variant is classified as a Variant of Uncertain Significance.

This study involves interpretation of variants in research participants for the purpose of population health screening. Participant phenotype was not available at the time of variant classification. Additional details can be found in publication PMID: 35346344, PMCID: PMC8962531